The following is an entry in ClinVar:

ClinVar aggregate classification (germline): Pathogenic (1 of 4 stars; one submission).

Conditions:
Spastic paraplegia. Identifiers: MedGen C0037772, HP:0001258.

Submission:

Labcorp Genetics (formerly Invitae), Labcorp
Classification: Pathogenic for Spastic paraplegia. Last evaluated: 2025-01-22. Review status: criteria provided, single submitter. Criteria: Invitae Variant Classification Sherloc (09022015). Collection method: clinical testing. Allele origin: germline.
Comment: This sequence change creates a premature translational stop signal (p.Pro488Argfs*11) in the SACS gene. It is expected to result in an absent or disrupted protein product. Loss-of-function variants in SACS are known to be pathogenic (PMID: 18465152, 20876471). This variant is not present in population databases (gnomAD no frequency). This variant has not been reported in the literature in individuals affected with SACS-related conditions. For these reasons, this variant has been classified as Pathogenic.

Literature cited by the submitters: PubMed 18465152; PubMed 20876471.

NM_014363.6(SACS):c.1463del (p.Pro488fs)

Gene: SACS (sacsin molecular chaperone; minus strand). Cytogenetic location: 13q12.12.
Variant type: Deletion.
Coding change: c.1463del on transcript NM_014363.6 (MANE Select); coding-DNA position 1463, one base deleted (C; older notation c.1463delC).
Protein change: p.Pro488fs; shifts the reading frame from proline 488.
Molecular consequence: frameshift variant.
Genome position (GRCh38, 1-based): chr13:23,355,149, G deleted on the plus strand (C on the coding strand, the reverse complement: SACS is on the minus strand); the first of 3 consecutive G bases (chr13:23,355,149-23,355,151); deleting any one gives the same sequence. VCF-style (leftmost placement, unchanged base first): chr13-23355148-CG-C. GRCh37 (hg19) VCF-style: chr13-23929287-CG-C.
Other names: c.1022del, p.Pro341fs (NM_001278055.2); short protein forms P341fs, P488fs.
Identifiers: ClinVar variation 3729343 (VCV003729343.2).
Genomic context (GRCh38, chr13:23,355,148, plus strand): 5'-CAGAGTAGCATAAGCTTTGGGGACAACATTCATGACAAGAAACTCATTCCATAAGGCTGC[CG>C]GGTCTCTCCACTGGTCCAGCTCTCTCCATTTTATGCTCCTGCGGTTATCAGTAAGGCCAA-3'